The following is an entry in ClinVar:

ClinVar aggregate classification (germline): Uncertain significance (1 of 4 stars; one submission).

Submission:

Ambry Genetics
Classification: Uncertain significance. Last evaluated: 2021-10-21. Review status: criteria provided, single submitter. Criteria: Ambry Variant Classification Scheme 2023. Collection method: clinical testing. Allele origin: germline.
Comment: The p.V968L variant (also known as c.2902G>C), located in coding exon 25 of the PRKDC gene, results from a G to C substitution at nucleotide position 2902. The valine at codon 968 is replaced by leucine, an amino acid with highly similar properties. This amino acid position is conserved. In addition, the in silico prediction for this alteration is inconclusive. Since supporting evidence is limited at this time, the clinical significance of this alteration remains unclear.

NM_006904.7(PRKDC):c.2902G>C (p.Val968Leu)

Gene: PRKDC (protein kinase, DNA-activated, catalytic subunit; minus strand). Cytogenetic location: 8q11.21.
Variant type: single nucleotide variant.
Coding change: c.2902G>C on transcript NM_006904.7 (MANE Select); coding-DNA position 2902, G replaced by C.
Protein change: p.Val968Leu; replaces valine 968 with leucine.
Molecular consequence: missense variant.
Genome position (GRCh38, 1-based): chr8:47,912,442, C>G on the plus strand (G>C on the coding strand, the complement: PRKDC is on the minus strand). VCF-style: chr8-47912442-C-G. GRCh37 (hg19) VCF-style: chr8-48825002-C-G.
Other names: c.2902G>C, p.Val968Leu (NM_001081640.2); short protein forms V968L.
Identifiers: ClinVar variation 1797472 (VCV001797472.2), dbSNP rs764988098, ClinGen allele CA371158710.